The following is an entry in ClinVar:

ClinVar aggregate classification (germline): Uncertain significance (0 of 4 stars; one submission).

Conditions:
RNF213-related disorder. Also called: RNF213-related condition.

Submission:

PreventionGenetics, part of Exact Sciences
Classification: Uncertain significance for RNF213-related condition. Last evaluated: 2024-03-05. Review status: no assertion criteria provided. Collection method: clinical testing. Allele origin: germline.
Comment: The RNF213 c.15185A>G variant is predicted to result in the amino acid substitution p.His5062Arg. To our knowledge, this variant has not been reported in the literature or in a large population database, indicating this variant is rare. At this time, the clinical significance of this variant is uncertain due to the absence of conclusive functional and genetic evidence.

NM_001256071.3(RNF213):c.15185A>G (p.His5062Arg)

Genes: RNF213 (ring finger protein 213; plus strand), RNF213-AS1 (RNF213 antisense RNA 1; minus strand). Cytogenetic location: 17q25.3.
Variant type: single nucleotide variant.
Coding change: c.15185A>G on transcript NM_001256071.3 (MANE Select); coding-DNA position 15185, A replaced by G.
Protein change: p.His5062Arg; replaces histidine 5062 with arginine.
Molecular consequence: missense variant.
Genome position (GRCh38, 1-based): chr17:80,389,357, A>G. VCF-style: chr17-80389357-A-G. GRCh37 (hg19) VCF-style: chr17-78363157-A-G.
Other names: c.15332A>G, p.His5111Arg (NM_001410195.1, NM_020914.5); short protein forms H5062R, H5111R.
Identifiers: ClinVar variation 3353632 (VCV003353632.1).